The following is an entry in ClinVar:

NM_000593.6(TAP1):c.1712A>G (p.Gln571Arg)

Gene: TAP1 (transporter 1, ATP binding cassette subfamily B member; minus strand). Cytogenetic location: 6p21.32.
Variant type: single nucleotide variant.
Coding change: c.1712A>G on transcript NM_000593.6 (MANE Select); coding-DNA position 1712, A replaced by G.
Protein change: p.Gln571Arg; replaces glutamine 571 with arginine.
Molecular consequence: missense variant.
Genome position (GRCh38, 1-based): chr6:32,847,947, T>C on the plus strand (A>G on the coding strand, the complement: TAP1 is on the minus strand). VCF-style: chr6-32847947-T-C. GRCh37 (hg19) VCF-style: chr6-32815724-T-C.
Other names: c.1109A>G, p.Gln370Arg (NM_001292022.2); short protein forms Q370R, Q571R.
Identifiers: ClinVar variation 1502538 (VCV001502538.4), dbSNP rs1045053973, ClinGen allele CA137014267.

ClinVar aggregate classification (germline): Uncertain significance (1 of 4 stars; one submission).

Conditions:
MHC class I deficiency. Identifiers: Orphanet 34592, MedGen C6024714, MONDO:0011476.

Allele frequency attached by ClinVar (database versions not stated): gnomAD exomes below 0.00001; gnomAD 0.00001; TOPMed 0.00002.
gnomAD v4.1: 4 of 1,612,962 alleles (0.00025%); highest among the groups gnomAD compares: African/African-American, 0.0053%; no homozygotes.

Submission:

Labcorp Genetics (formerly Invitae), Labcorp
Classification: Uncertain significance for MHC class I deficiency 1. Last evaluated: 2022-02-04. Review status: criteria provided, single submitter. Criteria: Invitae Variant Classification Sherloc (09022015). Collection method: clinical testing. Allele origin: germline.
Comment: Algorithms developed to predict the effect of missense changes on protein structure and function (SIFT, PolyPhen-2, Align-GVGD) all suggest that this variant is likely to be tolerated. In summary, the available evidence is currently insufficient to determine the role of this variant in disease. Therefore, it has been classified as a Variant of Uncertain Significance. This variant has not been reported in the literature in individuals affected with TAP1-related conditions. This variant is present in population databases (no rsID available, gnomAD 0.007%). This sequence change replaces glutamine, which is neutral and polar, with arginine, which is basic and polar, at codon 631 of the TAP1 protein (p.Gln631Arg).